The following is an entry in ClinVar:

NM_001172509.2(SATB2):c.1363C>T (p.Pro455Ser)

Gene: SATB2 (SATB homeobox 2; minus strand). Cytogenetic location: 2q33.1.
Variant type: single nucleotide variant.
Coding change: c.1363C>T on transcript NM_001172509.2 (MANE Select); coding-DNA position 1363, C replaced by T.
Protein change: p.Pro455Ser; replaces proline 455 with serine.
Molecular consequence: missense variant.
Genome position (GRCh38, 1-based): chr2:199,328,721, G>A on the plus strand (C>T on the coding strand, the complement: SATB2 is on the minus strand). VCF-style: chr2-199328721-G-A. GRCh37 (hg19) VCF-style: chr2-200193444-G-A.
Other names: c.1363C>T, p.Pro455Ser (NM_001172517.1, NM_015265.4); short protein forms P455S.
Identifiers: ClinVar variation 4282263 (VCV004282263.1).

ClinVar aggregate classification (germline): Uncertain significance (1 of 4 stars; one submission).

gnomAD v4.1: 1 of 1,613,240 alleles (0.000062%); highest among the groups gnomAD compares: Non-Finnish European, 0.000085%; no homozygotes.

Submission:

GeneDx
Classification: Uncertain significance. Last evaluated: 2025-04-15. Review status: criteria provided, single submitter. Criteria: GeneDx Variant Classification Process June 2021. Collection method: clinical testing. Allele origin: germline. Affected: yes.
Comment: Not observed at significant frequency in large population cohorts (gnomAD); In silico analysis indicates that this missense variant does not alter protein structure/function; Has not been previously published as pathogenic or benign to our knowledge